The following is an entry in ClinVar:

ClinVar aggregate classification (germline): Likely benign. Review status: criteria provided, multiple submitters, no conflicts (2 of 4 stars). 3 submissions from 3 submitters: Likely benign (3). Last evaluated 2026-02-01.

Allele frequency attached by ClinVar (database versions not stated): TOPMed 0.00034; gnomAD 0.00039 and 0.00041; gnomAD exomes 0.00049 and 0.00058; ESP Exome Variant Server 0.00051; ExAC 0.00086.
gnomAD v4.1: 768 of 1,591,738 alleles (0.048%); highest among the groups gnomAD compares: Non-Finnish European, 0.055%; 1 homozygote.

Submissions (3):

Labcorp Genetics (formerly Invitae), Labcorp
Classification: Likely benign. Last evaluated: 2026-02-01. Review status: criteria provided, single submitter. Criteria: Invitae Variant Classification Sherloc (09022015). Collection method: clinical testing. Allele origin: germline.

Blueprint Genetics
Classification: Likely benign. Last evaluated: 2024-11-25. Review status: criteria provided, single submitter. Criteria: ACMG Guidelines, 2015. Collection method: clinical testing. Allele origin: germline.

GeneDx
Classification: Likely benign. Last evaluated: 2017-08-10. Review status: criteria provided, single submitter. Criteria: GeneDx Variant Classification (06012015). Collection method: clinical testing. Allele origin: germline. Affected: yes.
Comment: This variant is considered likely benign or benign based on one or more of the following criteria: it is a conservative change, it occurs at a poorly conserved position in the protein, it is predicted to be benign by multiple in silico algorithms, and/or has population frequency not consistent with disease.

NM_001195518.2(MICU1):c.493+11A>G

Gene: MICU1 (mitochondrial calcium uptake 1; minus strand). Cytogenetic location: 10q22.1.
Variant type: single nucleotide variant.
Coding change: c.493+11A>G on transcript NM_001195518.2 (MANE Select); 11 bases into the intron after coding-DNA position 493, A replaced by G.
Molecular consequence: intron variant.
Genome position (GRCh38, 1-based): chr10:72,551,168, T>C on the plus strand (A>G on the coding strand, the complement: MICU1 is on the minus strand). VCF-style: chr10-72551168-T-C. GRCh37 (hg19) VCF-style: chr10-74310926-T-C.
Other names: c.493+11A>G (NM_006077.4, NM_001363513.2).
Identifiers: ClinVar variation 518212 (VCV000518212.9), dbSNP rs372489742, ClinGen allele CA5550271.